The following is an entry in ClinVar:

ClinVar aggregate classification (germline): Pathogenic (1 of 4 stars; one submission).

Conditions:
Immunodeficiency-centromeric instability-facial anomalies syndrome 2 (ICF2). Identifiers: Orphanet 2268, MedGen C3279748, MONDO:0013553, OMIM 614069.

Submission:

Labcorp Genetics (formerly Invitae), Labcorp
Classification: Pathogenic for Immunodeficiency-centromeric instability-facial anomalies syndrome 2. Last evaluated: 2023-04-30. Review status: criteria provided, single submitter. Criteria: Invitae Variant Classification Sherloc (09022015). Collection method: clinical testing. Allele origin: germline.
Comment: For these reasons, this variant has been classified as Pathogenic. This variant has not been reported in the literature in individuals affected with ZBTB24-related conditions. This variant is not present in population databases (gnomAD no frequency). This sequence change creates a premature translational stop signal (p.Lys117Serfs*3) in the ZBTB24 gene. It is expected to result in an absent or disrupted protein product. Loss-of-function variants in ZBTB24 are known to be pathogenic (PMID: 21596365).

Literature cited by the submitters: PubMed 21596365.

NM_014797.3(ZBTB24):c.350_351del (p.Lys117fs)

Gene: ZBTB24 (zinc finger and BTB domain containing 24; minus strand). Cytogenetic location: 6q21.
Variant type: Deletion.
Coding change: c.350_351del on transcript NM_014797.3 (MANE Select); coding-DNA positions 350 to 351, 2 bases deleted (AA; older notation c.350_351delAA).
Protein change: p.Lys117fs; shifts the reading frame from lysine 117.
Molecular consequence: frameshift variant.
Genome position (GRCh38, 1-based): chr6:109,481,676-109,481,677, TT deleted on the plus strand (AA on the coding strand, the reverse complement: ZBTB24 is on the minus strand); deleting any 2 consecutive bases within chr6:109,481,676-109,481,679 gives the same sequence; the c. name uses the placement nearest the transcript's 3' end. VCF-style (leftmost placement, unchanged base first): chr6-109481675-CTT-C. GRCh37 (hg19) VCF-style: chr6-109802878-CTT-C.
Other names: c.350_351del, p.Lys117fs (NM_001164313.2); short protein forms K117fs.
Identifiers: ClinVar variation 2880060 (VCV002880060.3), dbSNP rs2482882746, ClinGen allele CA2578711509.